The following is an entry in ClinVar:

ClinVar aggregate classification (germline): Pathogenic/Likely pathogenic. Review status: no assertion criteria provided (0 of 4 stars). 2 submissions from 2 submitters: Pathogenic (1); Likely pathogenic (1). Last evaluated 2022-06-01.

Conditions:
Hereditary spastic paraplegia 57. Also called: Spastic paraplegia 57, autosomal recessive. Identifiers: Orphanet 431329, MedGen C3714897, MONDO:0014295, OMIM 615658.
Hereditary motor and sensory neuropathy, Okinawa type (HMSNO). Also called: HEREDITARY MOTOR AND SENSORY NEUROPATHY, PROXIMAL TYPE. Identifiers: Orphanet 90117, MedGen C1858338, MONDO:0011468, OMIM 604484.

Submissions (2):

Solve-RD Consortium
Classification: Likely pathogenic for Hereditary spastic paraplegia 57. Last evaluated: 2022-06-01. Review status: no assertion criteria provided. Collection method: provider interpretation. Allele origin: inherited. Affected: yes.
Comment: Variant confirmed as disease-causing by referring clinical team

Variant identified during reanalysis of unsolved cases by the Solve-RD project. The Solve-RD project has received funding from the European Union’s Horizon 2020 research and innovation programme under grant agreement No 779257.

OMIM
Classification: Pathogenic for HEREDITARY MOTOR AND SENSORY NEUROPATHY, OKINAWA TYPE. Last evaluated: 2014-09-02. Review status: no assertion criteria provided. Collection method: literature only. Allele origin: germline.

Literature cited by the submitters: PubMed 39825153 (cited by Solve-RD Consortium); PubMed 25098539 (cited by OMIM).

NM_006070.6(TFG):c.806G>T (p.Gly269Val)

Gene: TFG (trafficking from ER to golgi regulator; plus strand). Cytogenetic location: 3q12.2.
Variant type: single nucleotide variant.
Coding change: c.806G>T on transcript NM_006070.6 (MANE Select); coding-DNA position 806, G replaced by T.
Protein change: p.Gly269Val; replaces glycine 269 with valine.
Molecular consequence: missense variant.
Genome position (GRCh38, 1-based): chr3:100,744,917, G>T. VCF-style: chr3-100744917-G-T. GRCh37 (hg19) VCF-style: chr3-100463761-G-T.
Other names: c.806G>T, p.Gly269Val (NM_001007565.2, NM_001195478.2); c.794G>T, p.Gly265Val (NM_001195479.2); short protein forms G269V, G265V.
Identifiers: ClinVar variation 156445 (VCV000156445.3), dbSNP rs587777789, ClinGen allele CA170881.
Genomic context (GRCh38, chr3:100,744,917, plus strand): 5'-AACAGGCCGGCTATGGTGCACAGCAGCCGCAGGCTCCACCTCAGCAGCCTCAACAGTATG[G>T]TATTCAGTATTCAGGTGAGCAGGTGTTGAAAGGGAGTTGGCTCATGGTTTTTTGTTTCTA-3'
Protein context (NP_006061.2, residues 259-279): QAPPQQPQQY[Gly269Val]IQYSASYSQQ